The following is an entry in ClinVar:

ClinVar aggregate classification (germline): Conflicting classifications of pathogenicity. Review status: criteria provided, conflicting classifications (1 of 4 stars). 2 submissions from 2 submitters: Uncertain significance (1); Likely benign (1). Last evaluated 2026-06-26.

Conditions:
Hereditary diffuse gastric adenocarcinoma (HDGC). Also called: DIFFUSE GASTRIC AND LOBULAR BREAST CANCER SYNDROME. Identifiers: Orphanet 26106, MedGen C1708349, MONDO:0007648, OMIM 137215.
Hereditary cancer-predisposing syndrome. Also called: Hereditary Cancer Syndrome; Hereditary neoplastic syndrome; Neoplastic Syndromes, Hereditary; Tumor predisposition. Identifiers: Orphanet 140162, MedGen C0027672, MeSH D009386, MONDO:0015356.

Allele frequency attached by ClinVar (database versions not stated): gnomAD 0.00001.
gnomAD v4.1: 1 of 1,613,942 alleles (0.000062%); highest among the groups gnomAD compares: Non-Finnish European, 0.000085%; no homozygotes.

Submissions (2):

Ambry Genetics
Classification: Likely benign for Hereditary cancer-predisposing syndrome. Last evaluated: 2026-06-26. Review status: criteria provided, single submitter. Criteria: Ambry Variant Classification Scheme 2023. Collection method: clinical testing. Allele origin: germline.

Labcorp Genetics (formerly Invitae), Labcorp
Classification: Uncertain significance for Hereditary diffuse gastric adenocarcinoma. Last evaluated: 2023-11-15. Review status: criteria provided, single submitter. Criteria: Invitae Variant Classification Sherloc (09022015). Collection method: clinical testing. Allele origin: germline.
Comment: This sequence change replaces serine, which is neutral and polar, with asparagine, which is neutral and polar, at codon 793 of the CDH1 protein (p.Ser793Asn). This variant is present in population databases (no rsID available, gnomAD 0.007%). This variant has not been reported in the literature in individuals affected with CDH1-related conditions. An algorithm developed to predict the effect of missense changes on protein structure and function (PolyPhen-2) suggests that this variant is likely to be disruptive. In summary, the available evidence is currently insufficient to determine the role of this variant in disease. Therefore, it has been classified as a Variant of Uncertain Significance.

NM_004360.5(CDH1):c.2378G>A (p.Ser793Asn)

Gene: CDH1 (cadherin 1; plus strand). Cytogenetic location: 16q22.1.
Variant type: single nucleotide variant.
Coding change: c.2378G>A on transcript NM_004360.5 (MANE Select); coding-DNA position 2378, G replaced by A.
Protein change: p.Ser793Asn; replaces serine 793 with asparagine.
Molecular consequence: missense variant.
Genome position (GRCh38, 1-based): chr16:68,829,736, G>A. VCF-style: chr16-68829736-G-A. GRCh37 (hg19) VCF-style: chr16-68863639-G-A.
Other names: c.2195G>A, p.Ser732Asn (NM_001317184.2); c.830G>A, p.Ser277Asn (NM_001317185.2); c.413G>A, p.Ser138Asn (NM_001317186.2); short protein forms S277N, S138N, S732N, S793N.
Identifiers: ClinVar variation 3018335 (VCV003018335.5), dbSNP rs1357766058, ClinGen allele CA396471119.
Genomic context (GRCh38, chr16:68,829,736, plus strand): 5'-ACAGGGGCCTGGACGCTCGGCCTGAAGTGACTCGTAACGACGTTGCACCAACCCTCATGA[G>A]TGTCCCCCGGTATCTTCCCCGCCCTGCCAATCCCGATGAAATTGGAAATTTTATTGATGA-3'
Protein context (NP_004351.1, residues 783-803): TRNDVAPTLM[Ser793Asn]VPRYLPRPAN